The following is an entry in ClinVar:

ClinVar aggregate classification (germline): Uncertain significance (1 of 4 stars; one submission).

Conditions:
TWIST1-related craniosynostosis (CRS1). Also called: CRANIOSYNOSTOSIS 1. Identifiers: Orphanet 63440, MedGen C4551902, MONDO:0007399, OMIM 123100. Inheritance: Heterogenous inheritance pattern.
Saethre-Chotzen syndrome (SCS). Also called: ACROCEPHALY, SKULL ASYMMETRY, AND MILD SYNDACTYLY; ACS III; CHOTZEN SYNDROME. Identifiers: Orphanet 794, MedGen C0175699, MONDO:0007042, OMIM 101400.

Submission:

Labcorp Genetics (formerly Invitae), Labcorp
Classification: Uncertain significance for TWIST1-related craniosynostosis; Saethre-Chotzen syndrome. Last evaluated: 2023-01-21. Review status: criteria provided, single submitter. Criteria: Invitae Variant Classification Sherloc (09022015). Collection method: clinical testing. Allele origin: germline.
Comment: This missense change has been observed in individual(s) with clinical features of TWIST1-related conditions (Invitae). This variant is not present in population databases (gnomAD no frequency). This sequence change replaces leucine, which is neutral and non-polar, with proline, which is neutral and non-polar, at codon 163 of the TWIST1 protein (p.Leu163Pro). Algorithms developed to predict the effect of missense changes on protein structure and function are either unavailable or do not agree on the potential impact of this missense change (SIFT: "Deleterious"; PolyPhen-2: "Probably Damaging"; Align-GVGD: "Class C0"). In summary, the available evidence is currently insufficient to determine the role of this variant in disease. Therefore, it has been classified as a Variant of Uncertain Significance. This variant disrupts the p.Leu163 amino acid residue in TWIST1. Other variant(s) that disrupt this residue have been observed in individuals with TWIST1-related conditions (PMID: 25271085, 29037998), which suggests that this may be a clinically significant amino acid residue.

Literature cited by the submitters: PubMed 25271085; PubMed 29037998.

NM_000474.4(TWIST1):c.488T>C (p.Leu163Pro)

Genes: TWIST1 (twist family bHLH transcription factor 1; minus strand), LOC129998021 (ATAC-STARR-seq lymphoblastoid active region 25682; plus strand). Cytogenetic location: 7p21.1.
Variant type: single nucleotide variant.
Coding change: c.488T>C on transcript NM_000474.4 (MANE Select); coding-DNA position 488, T replaced by C.
Protein change: p.Leu163Pro; replaces leucine 163 with proline.
Molecular consequence: missense variant. On other transcripts: non-coding transcript variant (1).
Genome position (GRCh38, 1-based): chr7:19,116,834, A>G on the plus strand (T>C on the coding strand, the complement: TWIST1 is on the minus strand). VCF-style: chr7-19116834-A-G. GRCh37 (hg19) VCF-style: chr7-19156457-A-G.
Other names: short protein forms L163P.
Identifiers: ClinVar variation 2942795 (VCV002942795.3), dbSNP rs2486049396, ClinGen allele CA367015326.
Genomic context (GRCh38, chr7:19,116,834, plus strand): 5'-AGCCGCTCGTGAGCCACATAGCTGCAGCTTGCCATCTTGGAGTCCAGCTCGTCGCTCTGG[A>G]GGACCTGGTAGAGGAAGTCGATGTACCTGGCCGCCAGCTTGAGGGTCTGAATCTTGCTCA-3'
Protein context (NP_000465.1, residues 153-173): ARYIDFLYQV[Leu163Pro]QSDELDSKMA